The following is an entry in ClinVar:

NM_001384732.1(CPLANE1):c.3823del (p.Glu1275fs)

Gene: CPLANE1 (ciliogenesis and planar polarity effector complex subunit 1; minus strand). Cytogenetic location: 5p13.2.
Variant type: Deletion.
Coding change: c.3823del on transcript NM_001384732.1 (MANE Select); coding-DNA position 3823, one base deleted (G; older notation c.3823delG).
Protein change: p.Glu1275fs; shifts the reading frame from glutamic acid 1275.
Molecular consequence: frameshift variant.
Genome position (GRCh38, 1-based): chr5:37,187,831, C deleted on the plus strand (G on the coding strand, the reverse complement: CPLANE1 is on the minus strand). VCF-style (leftmost placement, unchanged base first): chr5-37187830-TC-T. GRCh37 (hg19) VCF-style: chr5-37187932-TC-T.
Other names: c.3823del, p.Glu1275fs (NM_023073.4); short protein forms E1275fs.
Identifiers: ClinVar variation 3725541 (VCV003725541.2).
Genomic context (GRCh38, chr5:37,187,830, plus strand): 5'-TGCCTGCAACTATAGGATAACTTATCACGGACATGCAGCATCCAACACAGAGCACAAAGT[TC>T]TCTGAAGCAACCTAAAGCAGGAACACAAATATGAAAGAAAATCACATGAGTATGTACATT-3'

ClinVar aggregate classification (germline): Pathogenic (1 of 4 stars; one submission).

Submission:

Labcorp Genetics (formerly Invitae), Labcorp
Classification: Pathogenic. Last evaluated: 2024-11-25. Review status: criteria provided, single submitter. Criteria: Invitae Variant Classification Sherloc (09022015). Collection method: clinical testing. Allele origin: germline.
Comment: This sequence change creates a premature translational stop signal (p.Glu1275Asnfs*29) in the CPLANE1 gene. It is expected to result in an absent or disrupted protein product. Loss-of-function variants in CPLANE1 are known to be pathogenic (PMID: 24178751, 26092869). This variant is not present in population databases (gnomAD no frequency). This variant has not been reported in the literature in individuals affected with CPLANE1-related conditions. For these reasons, this variant has been classified as Pathogenic.

Literature cited by the submitters: PubMed 24178751; PubMed 26092869.